The following is an entry in ClinVar:

ClinVar aggregate classification (germline): Pathogenic (1 of 4 stars; one submission).

Conditions:
Inborn genetic diseases. Identifiers: MedGen C0950123, MeSH D030342.

Submission:

Ambry Genetics
Classification: Pathogenic for Inborn genetic diseases. Last evaluated: 2026-06-12. Review status: criteria provided, single submitter. Criteria: Ambry Variant Classification Scheme 2023. Collection method: clinical testing. Allele origin: germline.
Comment: The c.2709_2712dupTCTG (p.P905Sfs*7) alteration, located in exon 11 (coding exon 8) of the KDM6B gene, consists of a duplication of TCTG at position 2709, causing a translational frameshift with a predicted alternate stop codon after 7 amino acids.This variant is expected to result in loss of function by premature protein truncation or nonsense-mediated mRNA decay. This variant was not reported in population-based cohorts in the Genome Aggregation Database (gnomAD). Based on the available evidence, this alteration is classified as pathogenic.

NM_001348716.2(KDM6B):c.2709_2712dup (p.Pro905fs)

Gene: KDM6B (lysine demethylase 6B; plus strand). Cytogenetic location: 17p13.1.
Variant type: Duplication.
Coding change: c.2709_2712dup on transcript NM_001348716.2 (MANE Select); coding-DNA positions 2709 to 2712, 4 bases duplicated (TCTG; older notation c.2709_2712dupTCTG).
Protein change: p.Pro905fs; shifts the reading frame from proline 905.
Molecular consequence: frameshift variant.
Genome position (GRCh38, 1-based): chr17:7,848,997-7,849,000, TCTG duplicated. VCF-style (leftmost placement, unchanged base first): chr17-7848996-C-CTCTG. GRCh37 (hg19) VCF-style: chr17-7752314-C-CTCTG.
Other names: c.2709_2712dup, p.Pro905fs (NM_001080424.2); short protein forms P905fs.
Identifiers: ClinVar variation 4858779 (VCV004858779.1).